The following is an entry in ClinVar:

ClinVar aggregate classification (germline): Uncertain significance (1 of 4 stars; one submission).

Conditions:
Galloway-Mowat syndrome 2, X-linked. Identifiers: MedGen C4538784, MONDO:0033006, OMIM 301006.

Submission:

Neuberg Centre For Genomic Medicine, NCGM
Classification: Uncertain significance for Galloway-Mowat syndrome 2, X-linked. Review status: criteria provided, single submitter. Criteria: ACMG Guidelines, 2015. Collection method: clinical testing. Allele origin: germline. Inheritance: X-linked recessive inheritance. Affected: yes.
Comment: The missense variant p.P88S in LAGE3 (NM_006014.4) has not been reported previously as a pathogenic variant nor as a benign variant, to our knowledge. The p.P88S variant is novel (not in any individuals) in gnomAD Exomes and is novel (not in any individuals) in 1000 Genomes. In silico tools are contradictory (SIFT-Tolerated, Polyphen- damaging) and the residue is moderately conserved across species. For these reasons, this variant has been classified as Uncertain Significance.

NM_006014.5(LAGE3):c.262C>T (p.Pro88Ser)

Gene: LAGE3 (L antigen family member 3; minus strand). Cytogenetic location: Xq28.
Variant type: single nucleotide variant.
Coding change: c.262C>T on transcript NM_006014.5 (MANE Select); coding-DNA position 262, C replaced by T.
Protein change: p.Pro88Ser; replaces proline 88 with serine.
Molecular consequence: missense variant.
Genome position (GRCh38, 1-based): chrX:154,478,338, G>A on the plus strand (C>T on the coding strand, the complement: LAGE3 is on the minus strand). VCF-style: chrX-154478338-G-A. GRCh37 (hg19) VCF-style: chrX-153706677-G-A.
Other names: short protein forms P88S.
Identifiers: ClinVar variation 2627534 (VCV002627534.1), dbSNP rs2523105815, ClinGen allele CA415192370.